The following is an entry in ClinVar:

NM_015221.4(DNMBP):c.1854G>A (p.Pro618=)

Genes: DNMBP (dynamin binding protein; minus strand), DNMBP-AS1 (DNMBP antisense RNA 1; plus strand). Cytogenetic location: 10q24.2.
Variant type: single nucleotide variant.
Coding change: c.1854G>A on transcript NM_015221.4 (MANE Select); coding-DNA position 1854, G replaced by A.
Protein change: p.Pro618=; no amino-acid change (proline 618 retained).
Molecular consequence: synonymous variant. On other transcripts: non-coding transcript variant (1).
Genome position (GRCh38, 1-based): chr10:99,955,620, C>T on the plus strand (G>A on the coding strand, the complement: DNMBP is on the minus strand). VCF-style: chr10-99955620-C-T. GRCh37 (hg19) VCF-style: chr10-101715377-C-T.
Other names: c.1854G>A, p.Pro618= (NM_001441287.1, NM_001441288.1).
Identifiers: ClinVar variation 4084429 (VCV004084429.8).
Genomic context (GRCh38, chr10:99,955,620, plus strand): 5'-CACCAAGGGTGGTGCAGGTTTTAGGTTCTGGTCAACCAGCAAATGGGGAGAAGTGGATAC[C>T]GGAGTACAGGGACGAGGTGGCGGTGGCCTTAGGGCCTTTCTCCTTTCCGGCAGCTCCTGC-3'
Protein context (NP_056036.1, residues 608-628): LRPPPPRPCT[Pro618=]VSTSPHLLVD

ClinVar aggregate classification (germline): Likely benign (1 of 4 stars; one submission).

gnomAD v4.1: 88 of 1,614,158 alleles (0.0055%); highest among the groups gnomAD compares: African/African-American, 0.059%; 1 homozygote.

Submission:

CeGaT Center for Human Genetics Tuebingen
Classification: Likely benign. Last evaluated: 2025-05-01. Review status: criteria provided, single submitter. Criteria: CeGaT Center For Human Genetics Tuebingen Variant Classification Criteria Version 2. Collection method: clinical testing. Allele origin: germline. Affected: yes. Observed: 1 variant allele.
Comment: DNMBP: BP4, BP7